The following is an entry in ClinVar:

NM_015272.5(RPGRIP1L):c.3432+2T>C

Gene: RPGRIP1L (RPGRIP1 like; minus strand). Cytogenetic location: 16q12.2.
Variant type: single nucleotide variant.
Coding change: c.3432+2T>C on transcript NM_015272.5 (MANE Select); the canonical splice donor site of the intron after coding-DNA position 3432, T replaced by C.
Molecular consequence: splice donor variant. On other transcripts: intron variant (2).
Genome position (GRCh38, 1-based): chr16:53,622,217, A>G on the plus strand (T>C on the coding strand, the complement: RPGRIP1L is on the minus strand). VCF-style: chr16-53622217-A-G. GRCh37 (hg19) VCF-style: chr16-53656129-A-G.
Other names: c.3193-3009T>C (NM_001127897.4); c.3330+2T>C (NM_001330538.2); c.3295-3009T>C (NM_001308334.3).
Identifiers: ClinVar variation 2932550 (VCV002932550.3), dbSNP rs2543820049, ClinGen allele CA395923925.

ClinVar aggregate classification (germline): Likely pathogenic (1 of 4 stars; one submission).

Conditions:
Joubert syndrome. Also called: CEREBELLOPARENCHYMAL DISORDER IV; JOUBERT-BOLTSHAUSER SYNDROME; Familial aplasia of the vermis. Identifiers: Orphanet 475, MedGen C5979921, MONDO:0018772.
Meckel-Gruber syndrome. Also called: DYSENCEPHALIA SPLANCHNOCYSTICA; GRUBER SYNDROME; Dysencephalia splachnocystica. Identifiers: Orphanet 564, MedGen C0265215, MONDO:0018921.

Submission:

Labcorp Genetics (formerly Invitae), Labcorp
Classification: Likely pathogenic for Joubert syndrome; Meckel-Gruber syndrome. Last evaluated: 2023-11-28. Review status: criteria provided, single submitter. Criteria: Invitae Variant Classification Sherloc (09022015). Collection method: clinical testing. Allele origin: germline.
Comment: This sequence change affects a donor splice site in intron 23 of the RPGRIP1L gene. It is expected to disrupt RNA splicing. Variants that disrupt the donor or acceptor splice site typically lead to a loss of protein function (PMID: 16199547), and loss-of-function variants in RPGRIP1L are known to be pathogenic (PMID: 17558409). This variant is not present in population databases (gnomAD no frequency). This variant has not been reported in the literature in individuals affected with RPGRIP1L-related conditions. Algorithms developed to predict the effect of sequence changes on RNA splicing suggest that this variant may disrupt the consensus splice site. In summary, the currently available evidence indicates that the variant is pathogenic, but additional data are needed to prove that conclusively. Therefore, this variant has been classified as Likely Pathogenic.

Literature cited by the submitters: PubMed 16199547; PubMed 17558409.